The following is an entry in ClinVar:

ClinVar aggregate classification (germline): Uncertain significance (1 of 4 stars; one submission).

Conditions:
Emery-Dreifuss muscular dystrophy 4, autosomal dominant (EDMD4). Also called: EMERY-DREIFUSS MUSCULAR DYSTROPHY 4 WITH VARIABLE FEATURES. Identifiers: Orphanet 261, MedGen C2751807, MONDO:0013071, OMIM 612998.
Autosomal recessive ataxia, Beauce type. Also called: SYNE1 Deficiency; Spinocerebellar ataxia, autosomal recessive 8; ATAXIA, RECESSIVE, OF BEAUCE; SYNE1-Related Autosomal Recessive Cerebellar Ataxia. Identifiers: Orphanet 88644, MedGen C1853116, MONDO:0012549, OMIM 610743.

Allele frequency attached by ClinVar (database versions not stated): gnomAD exomes below 0.00001.
gnomAD v4.1: 3 of 1,614,148 alleles (0.00019%); highest among the groups gnomAD compares: Non-Finnish European, 0.000085%; no homozygotes.

Submission:

Labcorp Genetics (formerly Invitae), Labcorp
Classification: Uncertain significance for Emery-Dreifuss muscular dystrophy 4, autosomal dominant; Autosomal recessive ataxia, Beauce type. Last evaluated: 2024-11-04. Review status: criteria provided, single submitter. Criteria: Invitae Variant Classification Sherloc (09022015). Collection method: clinical testing. Allele origin: germline.
Comment: This sequence change replaces threonine, which is neutral and polar, with isoleucine, which is neutral and non-polar, at codon 4970 of the SYNE1 protein (p.Thr4970Ile). This variant is not present in population databases (gnomAD no frequency). This variant has not been reported in the literature in individuals affected with SYNE1-related conditions. ClinVar contains an entry for this variant (Variation ID: 2067359). An algorithm developed to predict the effect of missense changes on protein structure and function (PolyPhen-2) suggests that this variant is likely to be tolerated. In summary, the available evidence is currently insufficient to determine the role of this variant in disease. Therefore, it has been classified as a Variant of Uncertain Significance.

NM_182961.4(SYNE1):c.15122C>T (p.Thr5041Ile)

Gene: SYNE1 (spectrin repeat containing nuclear envelope protein 1; minus strand). Cytogenetic location: 6q25.2.
Variant type: single nucleotide variant.
Coding change: c.15122C>T on transcript NM_182961.4 (MANE Select); coding-DNA position 15122, C replaced by T.
Protein change: p.Thr5041Ile; replaces threonine 5041 with isoleucine.
Molecular consequence: missense variant.
Genome position (GRCh38, 1-based): chr6:152,326,467, G>A on the plus strand (C>T on the coding strand, the complement: SYNE1 is on the minus strand). VCF-style: chr6-152326467-G-A. GRCh37 (hg19) VCF-style: chr6-152647602-G-A.
Other names: c.14909C>T, p.Thr4970Ile (NM_033071.5); short protein forms T5041I, T4970I.
Identifiers: ClinVar variation 2067359 (VCV002067359.4), dbSNP rs1563087357, ClinGen allele CA366093666.